The following is an entry in ClinVar:

ClinVar aggregate classification (germline): Uncertain significance. Review status: criteria provided, multiple submitters, no conflicts (2 of 4 stars). 4 submissions from 4 submitters: Uncertain significance (4). Last evaluated 2025-07-22.

Conditions:
Catecholaminergic polymorphic ventricular tachycardia 1. Also called: RYR2-Related Catecholaminergic Polymorphic Ventricular Tachycardia; VENTRICULAR TACHYCARDIA, CATECHOLAMINERGIC POLYMORPHIC, 1, WITH OR WITHOUT ATRIAL DYSFUNCTION AND/OR DILATED CARDIOMYOPATHY; VENTRICULAR TACHYCARDIA, STRESS-INDUCED POLYMORPHIC 1. Identifiers: Orphanet 3286, MedGen C1631597, MONDO:0011484, OMIM 604772.
Cardiomyopathy (CMYO). Also called: Cardiomyopathies. Identifiers: Orphanet 167848, MedGen C0878544, MONDO:0004994, HP:0001638. Inheritance: Various modes of inheritance.
Catecholaminergic polymorphic ventricular tachycardia (CVPT). Also called: Catecholamine-induced polymorphic ventricular tachycardia. Identifiers: Orphanet 3286, MedGen C5574922, MONDO:0017990.
Cardiovascular phenotype. Identifiers: MedGen CN230736.

Allele frequency attached by ClinVar (database versions not stated): gnomAD exomes 0.00001; gnomAD 0.00004 and 0.00005; TOPMed 0.00012; 1000 Genomes Project 30x 0.00016; 1000 Genomes Project 0.00020.
gnomAD v4.1: 13 of 1,613,962 alleles (0.00081%); highest among the groups gnomAD compares: Admixed American, 0.013%; no homozygotes.

Submissions (4):

Labcorp Genetics (formerly Invitae), Labcorp
Classification: Uncertain significance for Catecholaminergic polymorphic ventricular tachycardia 1. Last evaluated: 2025-07-22. Review status: criteria provided, single submitter. Criteria: Invitae Variant Classification Sherloc (09022015). Collection method: clinical testing. Allele origin: germline.
Comment: This sequence change replaces lysine, which is basic and polar, with glutamic acid, which is acidic and polar, at codon 841 of the RYR2 protein (p.Lys841Glu). This variant is present in population databases (rs563091152, gnomAD 0.007%). This variant has not been reported in the literature in individuals affected with RYR2-related conditions. ClinVar contains an entry for this variant (Variation ID: 657616). Invitae Evidence Modeling of protein sequence and biophysical properties (such as structural, functional, and spatial information, amino acid conservation, physicochemical variation, residue mobility, and thermodynamic stability) has been performed for this missense variant. However, the output from this modeling did not meet the statistical confidence thresholds required to predict the impact of this variant on RYR2 protein function. In summary, the available evidence is currently insufficient to determine the role of this variant in disease. Therefore, it has been classified as a Variant of Uncertain Significance.

Ambry Genetics
Classification: Uncertain significance for Cardiovascular phenotype. Last evaluated: 2024-11-04. Review status: criteria provided, single submitter. Criteria: Ambry Variant Classification Scheme 2023. Collection method: clinical testing. Allele origin: germline.
Comment: The p.K841E variant (also known as c.2521A>G), located in coding exon 22 of the RYR2 gene, results from an A to G substitution at nucleotide position 2521. The lysine at codon 841 is replaced by glutamic acid, an amino acid with similar properties. This amino acid position is highly conserved in available vertebrate species. In addition, the in silico prediction for this alteration is inconclusive. Since supporting evidence is limited at this time, the clinical significance of this alteration remains unclear.

All of Us Research Program, National Institutes of Health
Classification: Uncertain significance for Catecholaminergic polymorphic ventricular tachycardia. Last evaluated: 2024-08-06. Review status: criteria provided, single submitter. Criteria: ACMG Guidelines, 2015. Collection method: clinical testing. Allele origin: germline. Inheritance: Autosomal dominant inheritance. Observed: 7 variant alleles, 7 heterozygotes.
Comment: This missense variant replaces lysine with glutamic acid at codon 841 of the RYR2 protein. Computational prediction is inconclusive regarding the impact of this variant on protein structure and function (internally defined REVEL score threshold 0.5 < inconclusive < 0.7, PMID: 27666373). To our knowledge, functional studies have not been reported for this variant. This variant has not been reported in individuals affected with RYR2-related disorders in the literature. This variant has been identified in 2/249300 chromosomes in the general population by the Genome Aggregation Database (gnomAD). The available evidence is insufficient to determine the role of this variant in disease conclusively. Therefore, this variant is classified as a Variant of Uncertain Significance.

This study involves interpretation of variants in research participants for the purpose of population health screening. Participant phenotype was not available at the time of variant classification. Additional details can be found in publication PMID: 35346344, PMCID: PMC8962531

Color Diagnostics, LLC DBA Color Health
Classification: Uncertain significance for Cardiomyopathy. Last evaluated: 2024-03-25. Review status: criteria provided, single submitter. Criteria: ACMG Guidelines, 2015. Collection method: clinical testing. Allele origin: germline.
Comment: This missense variant replaces lysine with glutamic acid at codon 841 of the RYR2 protein. Computational prediction is inconclusive regarding the impact of this variant on protein structure and function. To our knowledge, functional studies have not been reported for this variant. This variant has not been reported in individuals affected with RYR2-related disorders in the literature. This variant has been identified in 2/249300 chromosomes in the general population by the Genome Aggregation Database (gnomAD). The available evidence is insufficient to determine the role of this variant in disease conclusively. Therefore, this variant is classified as a Variant of Uncertain Significance.

NM_001035.3(RYR2):c.2521A>G (p.Lys841Glu)

Gene: RYR2 (ryanodine receptor 2; plus strand). Cytogenetic location: 1q43.
Variant type: single nucleotide variant.
Coding change: c.2521A>G on transcript NM_001035.3 (MANE Select); coding-DNA position 2521, A replaced by G.
Protein change: p.Lys841Glu; replaces lysine 841 with glutamic acid.
Molecular consequence: missense variant.
Genome position (GRCh38, 1-based): chr1:237,503,413, A>G. VCF-style: chr1-237503413-A-G. GRCh37 (hg19) VCF-style: chr1-237666713-A-G.
Other names: c.2521A>G, p.Lys841Glu (LRG_402t1); short protein forms K841E.
Identifiers: ClinVar variation 657616 (VCV000657616.22), dbSNP rs563091152, ClinGen allele CA39780660.